The following is an entry in ClinVar:

ClinVar aggregate classification (germline): Uncertain significance. Review status: criteria provided, multiple submitters, no conflicts (2 of 4 stars). 2 submissions from 2 submitters: Uncertain significance (2). Last evaluated 2025-01-02.

Conditions:
NPHP1-related disorder. Also called: NPHP1-related disorders; NPHP1-related condition.
Nephronophthisis. Also called: Juvenile Nephronophthisis. Identifiers: Orphanet 655, MedGen C0687120, MONDO:0019005, HP:0000090.

Allele frequency attached by ClinVar (database versions not stated): gnomAD exomes below 0.00001; TOPMed below 0.00001; gnomAD 0.00001.
gnomAD v4.1: 7 of 1,607,144 alleles (0.00044%); highest among the groups gnomAD compares: South Asian, 0.0044%; no homozygotes.

Submissions (2):

PreventionGenetics, part of Exact Sciences
Classification: Uncertain significance for NPHP1-related condition. Last evaluated: 2025-01-02. Review status: criteria provided, single submitter. Criteria: ACMG Guidelines, 2015. Collection method: clinical testing. Allele origin: germline.
Comment: The NPHP1 c.1130C>T variant is predicted to result in the amino acid substitution p.Ser377Leu. To our knowledge, this variant has not been reported in the literature. This variant is reported in 0.0066% of alleles in individuals of South Asian descent in gnomAD. At this time, the clinical significance of this variant is uncertain due to the absence of conclusive functional and genetic evidence.

Labcorp Genetics (formerly Invitae), Labcorp
Classification: Uncertain significance for Nephronophthisis. Last evaluated: 2022-08-07. Review status: criteria provided, single submitter. Criteria: Invitae Variant Classification Sherloc (09022015). Collection method: clinical testing. Allele origin: germline.
Comment: This sequence change replaces serine, which is neutral and polar, with leucine, which is neutral and non-polar, at codon 377 of the NPHP1 protein (p.Ser377Leu). This variant is present in population databases (no rsID available, gnomAD 0.007%). This variant has not been reported in the literature in individuals affected with NPHP1-related conditions. Algorithms developed to predict the effect of missense changes on protein structure and function are either unavailable or do not agree on the potential impact of this missense change (SIFT: "Tolerated"; PolyPhen-2: "Possibly Damaging"; Align-GVGD: "Class C0"). In summary, the available evidence is currently insufficient to determine the role of this variant in disease. Therefore, it has been classified as a Variant of Uncertain Significance.

NM_001128178.3(NPHP1):c.962C>T (p.Ser321Leu)

Gene: NPHP1 (nephrocystin 1; minus strand). Cytogenetic location: 2q13.
Variant type: single nucleotide variant.
Coding change: c.962C>T on transcript NM_001128178.3 (MANE Select); coding-DNA position 962, C replaced by T.
Protein change: p.Ser321Leu; replaces serine 321 with leucine.
Molecular consequence: missense variant.
Genome position (GRCh38, 1-based): chr2:110,160,248, G>A on the plus strand (C>T on the coding strand, the complement: NPHP1 is on the minus strand). VCF-style: chr2-110160248-G-A. GRCh37 (hg19) VCF-style: chr2-110917825-G-A.
Other names: c.1130C>T (NM_000272.3); c.1130C>T, p.Ser377Leu (NM_000272.5); c.773C>T, p.Ser258Leu (NM_001128179.3); c.959C>T, p.Ser320Leu (NM_001374256.1); c.962C>T, p.Ser321Leu (NM_001374257.1); c.1127C>T, p.Ser376Leu (NM_207181.4); short protein forms S377L, S321L, S376L, S258L, S320L.
Identifiers: ClinVar variation 1901761 (VCV001901761.3), dbSNP rs1473660887, ClinGen allele CA348089859.
Genomic context (GRCh38, chr2:110,160,248, plus strand): 5'-GGAAGAGGAATCATTTTACAGCTCCATAATGTCAGAATCAATGAAATACGACTTGGTCTC[G>A]ACCTAATCTGAAAGAAAAATTAGTTATAAAAAAGTTTATTTTTATGATTTCTAACACAAA-3'
Protein context (NP_001121650.1, residues 311-331): MWDATEGTIR[Ser321Leu]RPSRISLILT